The following is an entry in ClinVar:

ClinVar aggregate classification (germline): Uncertain significance. Review status: criteria provided, multiple submitters, no conflicts (2 of 4 stars). 2 submissions from 2 submitters: Uncertain significance (2). Last evaluated 2025-12-21.

Conditions:
Brugada syndrome 8 (BRGDA8). Identifiers: Orphanet 130, MedGen C2751083, MONDO:0013148, OMIM 613123.
Cardiovascular phenotype. Identifiers: MedGen CN230736.

Allele frequency attached by ClinVar (database versions not stated): ExAC 0.00001; gnomAD 0.00001; gnomAD exomes 0.00001 and 0.00003; TOPMed 0.00001.
gnomAD v4.1: 43 of 1,603,214 alleles (0.0027%); highest among the groups gnomAD compares: Non-Finnish European, 0.0029%; no homozygotes.

Submissions (2):

Labcorp Genetics (formerly Invitae), Labcorp
Classification: Uncertain significance for Brugada syndrome 8. Last evaluated: 2025-12-21. Review status: criteria provided, single submitter. Criteria: Invitae Variant Classification Sherloc (09022015). Collection method: clinical testing. Allele origin: germline.
Comment: This sequence change replaces alanine, which is neutral and non-polar, with threonine, which is neutral and polar, at codon 786 of the HCN4 protein (p.Ala786Thr). The frequency data for this variant in the population databases is considered unreliable, as metrics indicate poor data quality at this position in the gnomAD database. This variant has not been reported in the literature in individuals affected with HCN4-related conditions. ClinVar contains an entry for this variant (Variation ID: 568154). Invitae Evidence Modeling of protein sequence and biophysical properties (such as structural, functional, and spatial information, amino acid conservation, physicochemical variation, residue mobility, and thermodynamic stability) indicates that this missense variant is not expected to disrupt HCN4 protein function with a negative predictive value of 95%. In summary, the available evidence is currently insufficient to determine the role of this variant in disease. Therefore, it has been classified as a Variant of Uncertain Significance.

Ambry Genetics
Classification: Uncertain significance for Cardiovascular phenotype. Last evaluated: 2025-10-26. Review status: criteria provided, single submitter. Criteria: Ambry Variant Classification Scheme 2023. Collection method: clinical testing. Allele origin: germline.
Comment: The p.A786T variant (also known as c.2356G>A), located in coding exon 8 of the HCN4 gene, results from a G to A substitution at nucleotide position 2356. The alanine at codon 786 is replaced by threonine, an amino acid with similar properties. This amino acid position is highly conserved in available vertebrate species. In addition, the in silico prediction for this alteration is inconclusive. Since supporting evidence is limited at this time, the clinical significance of this alteration remains unclear.

NM_005477.3(HCN4):c.2356G>A (p.Ala786Thr)

Gene: HCN4 (hyperpolarization activated cyclic nucleotide gated potassium channel 4; minus strand). Cytogenetic location: 15q24.1.
Variant type: single nucleotide variant.
Coding change: c.2356G>A on transcript NM_005477.3 (MANE Select); coding-DNA position 2356, G replaced by A.
Protein change: p.Ala786Thr; replaces alanine 786 with threonine.
Molecular consequence: missense variant.
Genome position (GRCh38, 1-based): chr15:73,323,737, C>T on the plus strand (G>A on the coding strand, the complement: HCN4 is on the minus strand). VCF-style: chr15-73323737-C-T. GRCh37 (hg19) VCF-style: chr15-73616078-C-T.
Other names: short protein forms A786T.
Identifiers: ClinVar variation 568154 (VCV000568154.7), dbSNP rs771516987, ClinGen allele CA7649041.